The following is an entry in ClinVar:

ClinVar aggregate classification (germline): Uncertain significance (1 of 4 stars; one submission).

Submission:

Mayo Clinic Laboratories, Mayo Clinic
Classification: Uncertain significance. Last evaluated: 2023-10-27. Review status: criteria provided, single submitter. Criteria: ACMG Guidelines, 2015. Collection method: clinical testing. Allele origin: germline. Observed: 1 variant allele.
Comment: PM1_supporting, PM2_moderate

NM_000173.7(GP1BA):c.620T>G (p.Phe207Cys)

Gene: GP1BA (glycoprotein Ib platelet subunit alpha; plus strand). Cytogenetic location: 17p13.2.
Variant type: single nucleotide variant.
Coding change: c.620T>G on transcript NM_000173.7 (MANE Select); coding-DNA position 620, T replaced by G.
Protein change: p.Phe207Cys; replaces phenylalanine 207 with cysteine.
Molecular consequence: missense variant.
Genome position (GRCh38, 1-based): chr17:4,933,224, T>G. VCF-style: chr17-4933224-T-G. GRCh37 (hg19) VCF-style: chr17-4836519-T-G.
Other names: p.Phe207Cys; short protein forms F207C.
Identifiers: ClinVar variation 3380458 (VCV003380458.1).
Genomic context (GRCh38, chr17:4,933,224, plus strand): 5'-TGGAGAATCTCGACACCCTTCTCCTCCAAGAGAACTCGCTGTATACAATACCAAAGGGCT[T>G]TTTTGGGTCCCACCTCCTGCCTTTTGCTTTTCTCCACGGGAACCCCTGGTTATGCAACTG-3'
Protein context (NP_000164.5, residues 197-217): ENSLYTIPKG[Phe207Cys]FGSHLLPFAF